The following is an entry in ClinVar:

NM_004320.6(ATP2A1):c.1603G>A (p.Val535Met)

Gene: ATP2A1 (ATPase sarcoplasmic/endoplasmic reticulum Ca2+ transporting 1; plus strand). Cytogenetic location: 16p11.2.
Variant type: single nucleotide variant.
Coding change: c.1603G>A on transcript NM_004320.6 (MANE Select); coding-DNA position 1603, G replaced by A.
Protein change: p.Val535Met; replaces valine 535 with methionine.
Molecular consequence: missense variant.
Genome position (GRCh38, 1-based): chr16:28,898,290, G>A. VCF-style: chr16-28898290-G-A. GRCh37 (hg19) VCF-style: chr16-28909611-G-A.
Other names: c.1228G>A, p.Val410Met (NM_001286075.2); c.1603G>A, p.Val535Met (NM_173201.5); c.1603G>A (NM_173201.4); short protein forms V410M, V535M.
Identifiers: ClinVar variation 1016701 (VCV001016701.10), dbSNP rs1433734726, ClinGen allele CA395409687.

ClinVar aggregate classification (germline): Uncertain significance. Review status: criteria provided, multiple submitters, no conflicts (2 of 4 stars). 2 submissions from 2 submitters: Uncertain significance (2). Last evaluated 2023-05-02.

Conditions:
Brody myopathy. Also called: BRODY DISEASE. Identifiers: Orphanet 53347, MedGen C1832918, MONDO:0010977, OMIM 601003.

Allele frequency attached by ClinVar (database versions not stated): gnomAD exomes below 0.00001 and 0.00001; TOPMed 0.00001.
gnomAD v4.1: 17 of 1,614,250 alleles (0.0011%); highest among the groups gnomAD compares: Non-Finnish European, 0.0014%; no homozygotes.

Submissions (2):

Revvity Omics, Revvity
Classification: Uncertain significance for Brody myopathy. Last evaluated: 2023-05-02. Review status: criteria provided, single submitter. Criteria: ACMG Guidelines, 2015. Collection method: clinical testing. Allele origin: germline.

Labcorp Genetics (formerly Invitae), Labcorp
Classification: Uncertain significance for Brody myopathy. Last evaluated: 2020-07-12. Review status: criteria provided, single submitter. Criteria: Invitae Variant Classification Sherloc (09022015). Collection method: clinical testing. Allele origin: germline.
Comment: In summary, the available evidence is currently insufficient to determine the role of this variant in disease. Therefore, it has been classified as a Variant of Uncertain Significance. Algorithms developed to predict the effect of missense changes on protein structure and function are either unavailable or do not agree on the potential impact of this missense change (SIFT: "Deleterious"; PolyPhen-2: "Possibly Damaging"; Align-GVGD: "Class C0"). This variant has not been reported in the literature in individuals with ATP2A1-related conditions. This variant is not present in population databases (ExAC no frequency). This sequence change replaces valine with methionine at codon 535 of the ATP2A1 protein (p.Val535Met). The valine residue is highly conserved and there is a small physicochemical difference between valine and methionine.